The following is an entry in ClinVar:

NM_020655.4(JPH3):c.612C>T (p.Ser204=)

Gene: JPH3 (junctophilin 3; plus strand). Cytogenetic location: 16q24.2.
Variant type: single nucleotide variant.
Coding change: c.612C>T on transcript NM_020655.4 (MANE Select); coding-DNA position 612, C replaced by T.
Protein change: p.Ser204=; no amino-acid change (serine 204 retained).
Molecular consequence: synonymous variant. On other transcripts: non-coding transcript variant (1).
Genome position (GRCh38, 1-based): chr16:87,644,487, C>T. VCF-style: chr16-87644487-C-T. GRCh37 (hg19) VCF-style: chr16-87678093-C-T.
Identifiers: ClinVar variation 779972 (VCV000779972.8), dbSNP rs143432868, ClinGen allele CA8220784.

ClinVar aggregate classification (germline): Benign/Likely benign. Review status: criteria provided, multiple submitters, no conflicts (2 of 4 stars). 4 submissions from 4 submitters: Benign (2); Likely benign (1). 1 of the submissions does not count toward it. Last evaluated 2024-09-20.

Conditions:
JPH3-related disorder. Also called: JPH3-related condition.

Allele frequency attached by ClinVar (database versions not stated): gnomAD exomes 0.00028; ExAC 0.00030; gnomAD 0.00060; TOPMed 0.00073; ESP Exome Variant Server 0.00085; 1000 Genomes Project 0.00100; 1000 Genomes Project 30x 0.00125.
gnomAD v4.1: 330 of 1,612,924 alleles (0.02%); highest among the groups gnomAD compares: African/African-American, 0.18%; 1 homozygote.

Submissions (4):

Blueprint Genetics
Classification: Likely benign. Last evaluated: 2024-09-20. Review status: criteria provided, single submitter. Criteria: ACMG Guidelines, 2015. Collection method: clinical testing. Allele origin: germline.

Labcorp Genetics (formerly Invitae), Labcorp
Classification: Benign. Last evaluated: 2019-12-31. Review status: criteria provided, single submitter. Criteria: Invitae Variant Classification Sherloc (09022015). Collection method: clinical testing. Allele origin: germline.

Breakthrough Genomics
Classification: Benign. Review status: criteria provided, single submitter. Criteria: ACMG Guidelines, 2015. Collection method: not provided. Allele origin: germline. Inheritance: Autosomal dominant inheritance. Affected: yes.

PreventionGenetics, part of Exact Sciences
Classification: Likely benign for JPH3-related condition. Last evaluated: 2019-03-20. Review status: no assertion criteria provided. Collection method: clinical testing. Allele origin: germline. Not counted in ClinVar's aggregate classification.
Comment: This variant is classified as likely benign based on ACMG/AMP sequence variant interpretation guidelines (Richards et al. 2015 PMID: 25741868, with internal and published modifications).